The following is an entry in ClinVar:

ClinVar aggregate classification (germline): Uncertain significance (1 of 4 stars; one submission).

Conditions:
RASopathy. Also called: rasopathies; Noonan spectrum disorder. Identifiers: Orphanet 536391, MedGen C5555857, MONDO:0021060.

Submission:

Labcorp Genetics (formerly Invitae), Labcorp
Classification: Uncertain significance for RASopathy. Last evaluated: 2023-05-16. Review status: criteria provided, single submitter. Criteria: Invitae Variant Classification Sherloc (09022015). Collection method: clinical testing. Allele origin: germline.
Comment: This sequence change creates a premature translational stop signal (p.Arg153Glyfs*20) in the SOS1 gene. It is expected to result in an absent or disrupted protein product. However, the current clinical and genetic evidence is not sufficient to establish whether loss-of-function variants in SOS1 cause disease. This variant is not present in population databases (gnomAD no frequency). In summary, the available evidence is currently insufficient to determine the role of this variant in disease. Therefore, it has been classified as a Variant of Uncertain Significance. This variant has not been reported in the literature in individuals affected with SOS1-related conditions.

NM_005633.4(SOS1):c.457del (p.Arg153fs)

Gene: SOS1 (SOS Ras/Rac guanine nucleotide exchange factor 1; minus strand). Cytogenetic location: 2p22.1.
Variant type: Deletion.
Coding change: c.457del on transcript NM_005633.4 (MANE Select); coding-DNA position 457, one base deleted (C; older notation c.457delC).
Protein change: p.Arg153fs; shifts the reading frame from arginine 153.
Molecular consequence: frameshift variant.
Genome position (GRCh38, 1-based): chr2:39,056,755, G deleted on the plus strand (C on the coding strand, the reverse complement: SOS1 is on the minus strand). VCF-style (leftmost placement, unchanged base first): chr2-39056754-CG-C. GRCh37 (hg19) VCF-style: chr2-39283895-CG-C.
Other names: c.436del, p.Arg146fs (NM_001382394.1); c.457del, p.Arg153fs (NM_001382395.1); short protein forms R146fs, R153fs.
Identifiers: ClinVar variation 2864764 (VCV002864764.3), dbSNP rs2465354835, ClinGen allele CA2739274327.